The following is an entry in ClinVar:

NM_000138.5(FBN1):c.213G>A (p.Trp71Ter)

Gene: FBN1 (fibrillin 1; minus strand). Cytogenetic location: 15q21.1.
Variant type: single nucleotide variant.
Coding change: c.213G>A on transcript NM_000138.5 (MANE Select); coding-DNA position 213, G replaced by A.
Protein change: p.Trp71Ter; replaces tryptophan 71 with a stop codon.
Molecular consequence: nonsense.
Genome position (GRCh38, 1-based): chr15:48,613,044, C>T on the plus strand (G>A on the coding strand, the complement: FBN1 is on the minus strand). VCF-style: chr15-48613044-C-T. GRCh37 (hg19) VCF-style: chr15-48905241-C-T.
Other names: c.213G>A, p.Trp71Ter (NM_001406716.1, NM_001406717.1); short protein forms W71*.
Identifiers: ClinVar variation 2419069 (VCV002419069.6), dbSNP rs2505779155, ClinGen allele CA392448366.

ClinVar aggregate classification (germline): Pathogenic (1 of 4 stars; one submission).

Conditions:
Marfan syndrome (MFS). Also called: MARFAN SYNDROME, TYPE I; FBN1-Related Marfan Syndrome; Marfan syndrome type 1; Marfan's syndrome; Marfan syndrome, classic. Identifiers: Orphanet 284963, Orphanet 558, MedGen C0024796, MONDO:0007947, OMIM 154700.
Familial thoracic aortic aneurysm and aortic dissection (TAAD). Also called: Thoracic aortic aneurysms and dissections. Identifiers: Orphanet 91387, MedGen C4707243, MONDO:0019625.

Submission:

Labcorp Genetics (formerly Invitae), Labcorp
Classification: Pathogenic for Marfan syndrome; Familial thoracic aortic aneurysm and aortic dissection. Last evaluated: 2022-04-05. Review status: criteria provided, single submitter. Criteria: Invitae Variant Classification Sherloc (09022015). Collection method: clinical testing. Allele origin: germline.
Comment: For these reasons, this variant has been classified as Pathogenic. This sequence change creates a premature translational stop signal (p.Trp71*) in the FBN1 gene. It is expected to result in an absent or disrupted protein product. Loss-of-function variants in FBN1 are known to be pathogenic (PMID: 17657824, 19293843). This variant is not present in population databases (gnomAD no frequency). This premature translational stop signal has been observed in individual(s) with Marfan syndrome (PMID: 31098894). In at least one individual the variant was observed to be de novo.

Literature cited by the submitters: PubMed 17657824; PubMed 19293843; PubMed 31098894.